The following is an entry in ClinVar:

ClinVar aggregate classification (germline): Uncertain significance (1 of 4 stars; one submission).

Submission:

Women's Health and Genetics/Laboratory Corporation of America, LabCorp
Classification: Uncertain significance. Last evaluated: 2025-11-20. Review status: criteria provided, single submitter. Criteria: LabCorp Variant Classification Summary - May 2015. Collection method: clinical testing. Allele origin: germline.
Comment: Variant summary: The variant involves the deletion of exons 1-3 in the IMMP2L gene. A presumed nomenclature of c.(?_-645)_(239+1_240-1)del has been designated for the purposes of this classification. The exact breakpoint at the 5' end of this variant is unknown, therefore this deletion may extend upstream of the annotated region of this gene. Although the exact breakpoints of this deletion are not known, it is predicted to remove the initiation codon and result in an absence of protein or a truncation of the encoded protein due to translation initiation at a downstream site. Current evidence is not sufficient to establish loss of function as a mechanism for disease. Multiple alleles involving the deletion of exons 1-3 were found in gnomAD (structural variants dataset) at a combined frequency of 0.00097 in 21694 control chromosomes. This frequency is not significantly higher than estimated for disease-causing variants in IMMP2L, allowing no conclusion about variant significance. The deletion of exons 1-3 in IMMP2L has been observed in several individuals affected with neuropsychiatric disorders with or without epilepsy, and often with autism and/or language/social communication delay; however in the majority of cases the variant was found to be inherited by a healthy parent and there was no strong family history of similarly affected individuals reported (e.g. Gimelli_2014, Baldan_2018, Yoshikawa_2022). These reports do not provide unequivocal conclusions about association of the variant with IMMP2L-Related Disorders. To our knowledge, no experimental evidence demonstrating an impact on protein function has been reported. The following publications have been ascertained in the context of this evaluation (PMID: 25478008, 35776734, 29788020). ClinVar contains an entry for this variant (Variation ID: 686817). Based on the evidence outlined above, the variant was classified as uncertain significance.

Literature cited by the submitters: PubMed 29788020; PubMed 25478008; PubMed 35776734.

NC_000007.13:g.(110603622_111127293)_(111202549_?)del

Genes: IMMP2L (inner mitochondrial membrane peptidase subunit 2; minus strand), LRRN3 (leucine rich repeat neuronal 3; plus strand). Cytogenetic location: 7q31.1.
Variant type: Deletion.
Identifiers: ClinVar variation 4537265 (VCV004537265.1).